The following is an entry in ClinVar:

ClinVar aggregate classification (germline): Conflicting classifications of pathogenicity. Review status: criteria provided, conflicting classifications (1 of 4 stars). 4 submissions from 4 submitters: Uncertain significance (2); Likely benign (2). Last evaluated 2025-11-10.

Conditions:
Familial thoracic aortic aneurysm and aortic dissection (TAAD). Also called: Thoracic aortic aneurysms and dissections. Identifiers: Orphanet 91387, MedGen C4707243, MONDO:0019625.
Ehlers-Danlos syndrome, classic type, 1 (EDSCL1). Also called: EHLERS-DANLOS SYNDROME, GRAVIS TYPE; EHLERS-DANLOS SYNDROME, SEVERE CLASSIC TYPE; Ehlers-Danlos syndrome, type 1; Ehlers-Danlos Syndrome, Classic Type, COL5A1-Related; EDS I. Identifiers: MedGen C0268335, MONDO:0019567, OMIM 130000.

Allele frequency attached by ClinVar (database versions not stated): ExAC 0.00005; ESP Exome Variant Server 0.00008; TOPMed 0.00008; gnomAD 0.00010.
gnomAD v4.1: 29 of 1,551,970 alleles (0.0019%); highest among the groups gnomAD compares: Middle Eastern, 0.033%; no homozygotes.

Submissions (4):

Ambry Genetics
Classification: Uncertain significance for Familial thoracic aortic aneurysm and aortic dissection. Last evaluated: 2025-11-10. Review status: criteria provided, single submitter. Criteria: Ambry Variant Classification Scheme 2023. Collection method: clinical testing. Allele origin: germline.
Comment: The c.3936C>T variant (also known as p.G1312G), located in coding exon 50 of the COL5A1 gene, results from a C to T substitution at nucleotide position 3936. This nucleotide substitution does not change the amino acid at codon 1312. This nucleotide position is poorly conserved in available vertebrate species. In silico splice site analysis for this alteration is inconclusive. Based on the available evidence, the clinical significance of this variant remains unclear.

CeGaT Center for Human Genetics Tuebingen
Classification: Likely benign. Last evaluated: 2025-09-01. Review status: criteria provided, single submitter. Criteria: CeGaT Center For Human Genetics Tuebingen Variant Classification Criteria Version 2. Collection method: clinical testing. Allele origin: germline. Affected: yes. Observed: 1 variant allele.
Comment: COL5A1: BP4, BP7

Labcorp Genetics (formerly Invitae), Labcorp
Classification: Likely benign for Ehlers-Danlos syndrome, classic type, 1. Last evaluated: 2025-08-24. Review status: criteria provided, single submitter. Criteria: Invitae Variant Classification Sherloc (09022015). Collection method: clinical testing. Allele origin: germline.

GeneDx
Classification: Uncertain significance. Last evaluated: 2015-08-05. Review status: criteria provided, single submitter. Criteria: GeneDx Variant Classification (06012015). Collection method: clinical testing. Allele origin: germline. Affected: yes.
Comment: p.Gly1312Gly (GGC>GGT): c.3936 C>T in exon 50 of the COL5A1 gene (NM_000093.3)A variant of unknown significance has been identified in the COL5A1 gene. The c.3936 C>T (G1312G) variant has not been published as a mutation, nor has it been reported as a benign polymorphism to our knowledge. The c.3936 C>T variant was not observed with any significant frequency in approximately 6300 individuals of European and African American ancestry in the NHLBI Exome Sequencing Project, indicating it is not a common benign variant in these populations. In silico splice algorithms predict this variant results in the creation of a strong cryptic splice donor site upstream of the natural splice donor site in intron 50, possibly resulting in an altered or damaged protein. However, in the absence of functional mRNA studies, it is unknown whether this variant disrupts the protein. Other splice mutations in COL5A1 have been reported in association with EDS.Therefore, based on the currently available information, it is unclear whether this variant is a pathogenic mutation or a rare benign variant. This variant was found in TAADV2-1

NM_000093.5(COL5A1):c.3936C>T (p.Gly1312=)

Gene: COL5A1 (collagen type V alpha 1 chain; plus strand). Cytogenetic location: 9q34.3.
Variant type: single nucleotide variant.
Coding change: c.3936C>T on transcript NM_000093.5 (MANE Select); coding-DNA position 3936, C replaced by T.
Protein change: p.Gly1312=; no amino-acid change (glycine 1312 retained).
Molecular consequence: synonymous variant.
Genome position (GRCh38, 1-based): chr9:134,814,826, C>T. VCF-style: chr9-134814826-C-T. GRCh37 (hg19) VCF-style: chr9-137706672-C-T.
Other names: p.G1312G:GGC>GGT; c.3936C>T, p.Gly1312= (NM_001278074.1).
Identifiers: ClinVar variation 212968 (VCV000212968.20), dbSNP rs367804791, ClinGen allele CA322575.